The following is an entry in ClinVar:

ClinVar aggregate classification (germline): Uncertain significance (1 of 4 stars; one submission).

Conditions:
Immunodeficiency 23 (IMD23). Also called: IMMUNODEFICIENCY WITH HYPER IgE AND COGNITIVE IMPAIRMENT; IMMUNODEFICIENCY-VASCULITIS-MYOCLONUS SYNDROME. Identifiers: Orphanet 443811, MedGen C4014371, MONDO:0014353, OMIM 615816.

Allele frequency attached by ClinVar (database versions not stated): gnomAD 0.00003; gnomAD exomes 0.00003.
gnomAD v4.1: 49 of 1,534,290 alleles (0.0032%); highest among the groups gnomAD compares: Non-Finnish European, 0.004%; no homozygotes.

Submission:

Labcorp Genetics (formerly Invitae), Labcorp
Classification: Uncertain significance for Immunodeficiency 23. Last evaluated: 2025-10-15. Review status: criteria provided, single submitter. Criteria: Invitae Variant Classification Sherloc (09022015). Collection method: clinical testing. Allele origin: germline.
Comment: This sequence change replaces glycine, which is neutral and non-polar, with glutamic acid, which is acidic and polar, at codon 23 of the PGM3 protein (p.Gly23Glu). This variant is present in population databases (no rsID available, gnomAD 0.007%). This variant has not been reported in the literature in individuals affected with PGM3-related conditions. ClinVar contains an entry for this variant (Variation ID: 2897416). An algorithm developed to predict the effect of missense changes on protein structure and function outputs the following: PolyPhen-2: "Benign". The glutamic acid amino acid residue is found in multiple mammalian species, which suggests that this missense change does not adversely affect protein function. In summary, the available evidence is currently insufficient to determine the role of this variant in disease. Therefore, it has been classified as a Variant of Uncertain Significance.

NM_015599.3(PGM3):c.-2-187G>A

Gene: PGM3 (phosphoglucomutase 3; minus strand). Cytogenetic location: 6q14.1.
Variant type: single nucleotide variant.
Coding change: c.-2-187G>A on transcript NM_015599.3 (MANE Select); 187 bases into the intron before 2 bases upstream of the start codon, G replaced by A.
Molecular consequence: intron variant. On other transcripts: missense variant (2).
Genome position (GRCh38, 1-based): chr6:83,191,201, C>T on the plus strand (G>A on the coding strand, the complement: PGM3 is on the minus strand). VCF-style: chr6-83191201-C-T. GRCh37 (hg19) VCF-style: chr6-83900920-C-T.
Other names: c.68G>A, p.Gly23Glu (NM_001199917.2, NM_001367287.1); c.-40+1978G>A (NM_001199918.2); c.-2-187G>A (NM_001367286.1, NM_001199919.2); short protein forms G23E.
Identifiers: ClinVar variation 2897416 (VCV002897416.2), dbSNP rs910637202, ClinGen allele CA141912072.